The following is an entry in ClinVar:

NM_138413.4(HOGA1):c.376G>A (p.Ala126Thr)

Gene: HOGA1 (4-hydroxy-2-oxoglutarate aldolase 1; plus strand). Cytogenetic location: 10q24.2.
Variant type: single nucleotide variant.
Coding change: c.376G>A on transcript NM_138413.4 (MANE Select); coding-DNA position 376, G replaced by A.
Protein change: p.Ala126Thr; replaces alanine 126 with threonine.
Molecular consequence: missense variant. On other transcripts: intron variant (1).
Genome position (GRCh38, 1-based): chr10:97,599,124, G>A. VCF-style: chr10-97599124-G-A. GRCh37 (hg19) VCF-style: chr10-99358881-G-A.
Other names: c.212-2733G>A (NM_001134670.2); short protein forms A126T.
Identifiers: ClinVar variation 2664391 (VCV002664391.3), dbSNP rs1395953286, ClinGen allele CA377977223.

ClinVar aggregate classification (germline): Likely pathogenic. Review status: criteria provided, multiple submitters, no conflicts (2 of 4 stars). 2 submissions from 2 submitters: Likely pathogenic (2). Last evaluated 2026-01-26.

Conditions:
Primary hyperoxaluria type 3. Also called: PH III. Identifiers: Orphanet 416, Orphanet 93600, MedGen C3150878, MONDO:0013327, OMIM 613616. Disease mechanism: loss of function.

Allele frequency attached by ClinVar (database versions not stated): gnomAD 0.00001; gnomAD exomes 0.00001; TOPMed 0.00001.
gnomAD v4.1: 6 of 1,613,586 alleles (0.00037%); highest among the groups gnomAD compares: Non-Finnish European, 0.00034%; no homozygotes.

Submissions (2):

Labcorp Genetics (formerly Invitae), Labcorp
Classification: Likely pathogenic. Last evaluated: 2026-01-26. Review status: criteria provided, single submitter. Criteria: Invitae Variant Classification Sherloc (09022015). Collection method: clinical testing. Allele origin: germline.
Comment: This sequence change replaces alanine, which is neutral and non-polar, with threonine, which is neutral and polar, at codon 126 of the HOGA1 protein (p.Ala126Thr). This variant is present in population databases (no rsID available, gnomAD 0.002%). This missense change has been observed in individual(s) with primary hyperoxaluria type 3 (PMID: 33274618). In at least one individual the data is consistent with being in trans (on the opposite chromosome) from a pathogenic variant. ClinVar contains an entry for this variant (Variation ID: 2664391). Invitae Evidence Modeling of protein sequence and biophysical properties (such as structural, functional, and spatial information, amino acid conservation, physicochemical variation, residue mobility, and thermodynamic stability) indicates that this missense variant is expected to disrupt HOGA1 protein function with a positive predictive value of 95%. In summary, the currently available evidence indicates that the variant is pathogenic, but additional data are needed to prove that conclusively. Therefore, this variant has been classified as Likely Pathogenic.

Clinical Biochemistry Laboratory, Health Services Laboratory
Classification: Likely pathogenic for Primary hyperoxaluria type 3. Last evaluated: 2023-10-27. Review status: criteria provided, single submitter. Criteria: ACMG Guidelines, 2015. Collection method: curation. Allele origin: germline. Affected: yes.
Comment: ACMG:PM2 PM3 PP3 PP4 BP1

Literature cited by the submitters: PubMed 33274618 (cited by Labcorp Genetics (formerly Invitae), Labcorp and Clinical Biochemistry Laboratory, Health Services Laboratory); PubMed 3386585 (cited by Clinical Biochemistry Laboratory, Health Services Laboratory).